The following is an entry in ClinVar:

NM_000030.3(AGXT):c.622C>G (p.Gln208Glu)

Gene: AGXT (alanine--glyoxylate aminotransferase; plus strand). Cytogenetic location: 2q37.3.
Variant type: single nucleotide variant.
Coding change: c.622C>G on transcript NM_000030.3 (MANE Select); coding-DNA position 622, C replaced by G.
Protein change: p.Gln208Glu; replaces glutamine 208 with glutamic acid.
Molecular consequence: missense variant.
Genome position (GRCh38, 1-based): chr2:240,874,004, C>G. VCF-style: chr2-240874004-C-G. GRCh37 (hg19) VCF-style: chr2-241813421-C-G.
Other names: short protein forms Q208E.
Identifiers: ClinVar variation 2151510 (VCV002151510.1), dbSNP rs750264224, ClinGen allele CA351316848.
Genomic context (GRCh38, chr2:240,874,004, plus strand): 5'-ACTCACCCGTCCCGAGCAAACCACCCATCTACAGGCATCGACATCCTGTACTCGGGCTCC[C>G]AGAAGGCCCTGAACGCCCCTCCAGGGACCTCGCTCATCTCCTTCAGTGACAAGGCCAAGT-3'
Protein context (NP_000021.1, residues 198-218): QGIDILYSGS[Gln208Glu]KALNAPPGTS

ClinVar aggregate classification (germline): Uncertain significance (1 of 4 stars; one submission).

Allele frequency attached by ClinVar (database versions not stated): gnomAD exomes 0.00001; TOPMed 0.00003.
gnomAD v4.1: 6 of 1,613,626 alleles (0.00037%); highest among the groups gnomAD compares: Admixed American, 0.01%; no homozygotes.

Submission:

Labcorp Genetics (formerly Invitae), Labcorp
Classification: Uncertain significance. Last evaluated: 2022-08-12. Review status: criteria provided, single submitter. Criteria: Invitae Variant Classification Sherloc (09022015). Collection method: clinical testing. Allele origin: germline.
Comment: This sequence change replaces glutamine, which is neutral and polar, with glutamic acid, which is acidic and polar, at codon 208 of the AGXT protein (p.Gln208Glu). This variant is present in population databases (no rsID available, gnomAD 0.006%). This variant has not been reported in the literature in individuals affected with AGXT-related conditions. Advanced modeling of protein sequence and biophysical properties (such as structural, functional, and spatial information, amino acid conservation, physicochemical variation, residue mobility, and thermodynamic stability) performed at Invitae indicates that this missense variant is expected to disrupt AGXT protein function. In summary, the available evidence is currently insufficient to determine the role of this variant in disease. Therefore, it has been classified as a Variant of Uncertain Significance.